The following is an entry in ClinVar:

NM_003136.4(SRP54):c.636A>C (p.Ile212=)

Gene: SRP54 (signal recognition particle 54; plus strand). Cytogenetic location: 14q13.2.
Variant type: single nucleotide variant.
Coding change: c.636A>C on transcript NM_003136.4 (MANE Select); coding-DNA position 636, A replaced by C.
Protein change: p.Ile212=; no amino-acid change (isoleucine 212 retained).
Molecular consequence: synonymous variant.
Genome position (GRCh38, 1-based): chr14:35,011,659, A>C. VCF-style: chr14-35011659-A-C. GRCh37 (hg19) VCF-style: chr14-35480865-A-C.
Other names: c.489A>C, p.Ile163= (NM_001146282.2).
Identifiers: ClinVar variation 1165954 (VCV001165954.41), dbSNP rs140228686, ClinGen allele CA7153638.
Genomic context (GRCh38, chr14:35,011,659, plus strand): 5'-TGGCCGCCACAAACAAGAAGACTCTTTGTTTGAAGAAATGCTTCAAGTTGCTAATGCTAT[A>C]GTAAGTAGCTTTCAATGTAACACTATTATTAGGACTTTGGTTAATTTAATTATAAAACCA-3'
Protein context (NP_003127.1, residues 202-222): FEEMLQVANA[Ile212=]QPDNIVYVMD

ClinVar aggregate classification (germline): Benign/Likely benign. Review status: criteria provided, multiple submitters, no conflicts (2 of 4 stars). 6 submissions from 6 submitters: Benign (1); Likely benign (4). 1 of the submissions does not count toward it. Last evaluated 2026-05-01.

Conditions:
Shwachman-Diamond syndrome 1 (SDS1). Also called: LIPOMATOSIS OF PANCREAS, CONGENITAL. Identifiers: MedGen C4692625, MONDO:0044204, OMIM 260400.
Neutropenia, severe congenital, 8, autosomal dominant. Also called: NEUTROPENIA, SEVERE CONGENITAL, 8, AUTOSOMAL DOMINANT, WITH OR WITHOUT PANCREATIC DYSFUNCTION AND/OR NEUROLOGIC ABNORMALITIES; SHWACHMAN-DIAMOND SYNDROME-LIKE. Identifiers: Orphanet 675767, MedGen C5203411, MONDO:0032899, OMIM 618752.
SRP54-related disorder. Also called: SRP54-related condition.

Allele frequency attached by ClinVar (database versions not stated): gnomAD 0.00098 and 0.00113; TOPMed 0.00131; ESP Exome Variant Server 0.00138.
gnomAD v4.1: 2,249 of 1,534,698 alleles (0.15%); highest among the groups gnomAD compares: Non-Finnish European, 0.18%; 3 homozygotes.

Submissions (7):

CeGaT Center for Human Genetics Tuebingen
Classification: Likely benign. Last evaluated: 2026-05-01. Review status: criteria provided, single submitter. Criteria: CeGaT Center For Human Genetics Tuebingen Variant Classification Criteria Version 2. Collection method: clinical testing. Allele origin: germline. Affected: yes. Observed: 2 variant alleles.
Comment: SRP54: BP4, BS2

Labcorp Genetics (formerly Invitae), Labcorp
Classification: Benign. Last evaluated: 2026-02-02. Review status: criteria provided, single submitter. Criteria: Invitae Variant Classification Sherloc (09022015). Collection method: clinical testing. Allele origin: germline.

Blueprint Genetics
Classification: Likely benign. Last evaluated: 2024-11-24. Review status: criteria provided, single submitter. Criteria: ACMG Guidelines, 2015. Collection method: clinical testing. Allele origin: germline.

Fulgent Genetics
Classification: Likely benign for Shwachman-Diamond syndrome 1; Neutropenia, severe congenital, 8, autosomal dominant. Last evaluated: 2022-05-12. Review status: criteria provided, single submitter. Criteria: ACMG Guidelines, 2015. Collection method: clinical testing. Allele origin: unknown.

Genetic Services Laboratory, University of Chicago
Classification: Likely benign. Last evaluated: 2021-11-17. Review status: criteria provided, single submitter. Criteria: ACMG Guidelines, 2015. Collection method: clinical testing. Allele origin: germline. Affected: no.

PreventionGenetics, part of Exact Sciences
Classification: Likely benign for SRP54-related condition. Last evaluated: 2020-11-11. Review status: no assertion criteria provided. Collection method: clinical testing. Allele origin: germline. Not counted in ClinVar's aggregate classification.
Comment: This variant is classified as likely benign based on ACMG/AMP sequence variant interpretation guidelines (Richards et al. 2015 PMID: 25741868, with internal and published modifications).

Dr. Peter K. Rogan Lab, Western University
No classification provided (evidence only). Condition: Nonpapillary renal cell carcinoma. Review status: no classification provided. Collection method: in vitro. Allele origin: not applicable. Functional consequence: retained intron. Not counted in ClinVar's aggregate classification.